The following is an entry in ClinVar:

NM_003000.3(SDHB):c.134_138dup (p.Trp47fs)

Gene: SDHB (succinate dehydrogenase complex iron sulfur subunit B; minus strand). Cytogenetic location: 1p36.13.
Variant type: Duplication.
Coding change: c.134_138dup on transcript NM_003000.3 (MANE Select); coding-DNA positions 134 to 138, 5 bases duplicated (ATCGA; older notation c.134_138dupATCGA).
Protein change: p.Trp47fs; shifts the reading frame from tryptophan 47.
Molecular consequence: frameshift variant.
Genome position (GRCh38, 1-based): chr1:17,044,823-17,044,827, TCGAT duplicated on the plus strand (ATCGA on the coding strand, the reverse complement: SDHB is on the minus strand). VCF-style (leftmost placement, unchanged base first): chr1-17044822-A-ATCGAT. GRCh37 (hg19) VCF-style: chr1-17371317-A-ATCGAT.
Other names: c.134_138dup, p.Trp47Ilefs (NM_001407361.1); short protein forms W47fs.
Identifiers: ClinVar variation 2090127 (VCV002090127.4), dbSNP rs2525059780, ClinGen allele CA2580060660.

ClinVar aggregate classification (germline): Pathogenic (1 of 4 stars; one submission).

Conditions:
Pheochromocytoma. Also called: MAX-Related Hereditary Paraganglioma-Pheochromocytoma Syndrome. Identifiers: Orphanet 29072, MedGen C0031511, MONDO:0008233, OMIM 171300, HP:0002666.
Pheochromocytoma/paraganglioma syndrome 4. Also called: CAROTID BODY TUMORS AND MULTIPLE EXTRAADRENAL PHEOCHROMOCYTOMAS; PARAGANGLIOMA, FAMILIAL MALIGNANT; PARAGANGLIOMAS, HEREDITARY EXTRAADRENAL; PHEOCHROMOCYTOMA, FAMILIAL EXTRAADRENAL; Paragangliomas 4; SDHB-Related Hereditary Paraganglioma-Pheochromocytoma Syndrome (Paragangliomas 4). Identifiers: Orphanet 29072, MedGen C1861848, MONDO:0007273, OMIM 115310.
Gastrointestinal stromal tumor. Also called: Gastrointestinal stroma tumor; Gastrointestinal stromal tumor, somatic. Identifiers: Orphanet 44890, MedGen C0238198, MeSH D046152, MONDO:0011719, OMIM 606764, HP:0100723.

Submission:

Labcorp Genetics (formerly Invitae), Labcorp
Classification: Pathogenic for Gastrointestinal stromal tumor; Pheochromocytoma/paraganglioma syndrome 4; Pheochromocytoma. Last evaluated: 2022-01-26. Review status: criteria provided, single submitter. Criteria: Invitae Variant Classification Sherloc (09022015). Collection method: clinical testing. Allele origin: germline.
Comment: This sequence change creates a premature translational stop signal (p.Trp47Ilefs*32) in the SDHB gene. It is expected to result in an absent or disrupted protein product. Loss-of-function variants in SDHB are known to be pathogenic (PMID: 19454582, 19802898). This variant is not present in population databases (gnomAD no frequency). This variant has not been reported in the literature in individuals affected with SDHB-related conditions. For these reasons, this variant has been classified as Pathogenic.

Literature cited by the submitters: PubMed 19454582; PubMed 19802898.